The following is an entry in ClinVar:

NM_000069.3(CACNA1S):c.2982C>A (p.Asp994Glu)

Gene: CACNA1S (calcium voltage-gated channel subunit alpha1 S; minus strand). Cytogenetic location: 1q32.1.
Variant type: single nucleotide variant.
Coding change: c.2982C>A on transcript NM_000069.3 (MANE Select); coding-DNA position 2982, C replaced by A.
Protein change: p.Asp994Glu; replaces aspartic acid 994 with glutamic acid.
Molecular consequence: missense variant.
Genome position (GRCh38, 1-based): chr1:201,062,015, G>T on the plus strand (C>A on the coding strand, the complement: CACNA1S is on the minus strand). VCF-style: chr1-201062015-G-T. GRCh37 (hg19) VCF-style: chr1-201031143-G-T.
Other names: short protein forms D994E.
Identifiers: ClinVar variation 3075195 (VCV003075195.1), dbSNP rs1308774924, ClinGen allele CA344163407.

ClinVar aggregate classification (germline): Uncertain significance (1 of 4 stars; one submission).

Conditions:
Malignant hyperthermia, susceptibility to, 5 (MHS5). Also called: CACNA1S-Related Malignant Hyperthermia Susceptibility. Identifiers: Orphanet 423, MedGen C1866077, MONDO:0011163, OMIM 601887.

gnomAD v4.1: 1 of 1,614,232 alleles (0.000062%); highest among the groups gnomAD compares: Non-Finnish European, 0.000085%; no homozygotes.

Submission:

All of Us Research Program, National Institutes of Health
Classification: Uncertain significance for Malignant hyperthermia, susceptibility to, 5. Last evaluated: 2023-12-18. Review status: criteria provided, single submitter. Criteria: ACMG Guidelines, 2015. Collection method: clinical testing. Allele origin: germline. Inheritance: Autosomal dominant inheritance. Observed: 1 variant allele, 1 heterozygote.
Comment: This missense variant replaces aspartic acid with glutamic acid at codon 994 of the CACNA1S protein. Computational prediction suggests that this variant may not impact protein structure and function (internally defined REVEL score threshold <= 0.5, PMID: 27666373). To our knowledge, functional studies have not been reported for this variant. This variant has not been reported in individuals affected with CACNA1S-related disorders in the literature. This variant has not been identified in the general population by the Genome Aggregation Database (gnomAD). The available evidence is insufficient to determine the role of this variant in disease conclusively. Therefore, this variant is classified as a Variant of Uncertain Significance.

This study involves interpretation of variants in research participants for the purpose of population health screening. Participant phenotype was not available at the time of variant classification. Additional details can be found in publication PMID: 35346344, PMCID: PMC8962531